The following is an entry in ClinVar:

NM_000059.4(BRCA2):c.6325G>T (p.Val2109Phe)

Gene: BRCA2 (BRCA2 DNA repair associated; plus strand). Cytogenetic location: 13q13.1.
Variant type: single nucleotide variant.
Coding change: c.6325G>T on transcript NM_000059.4 (MANE Select); coding-DNA position 6325, G replaced by T.
Protein change: p.Val2109Phe; replaces valine 2109 with phenylalanine.
Molecular consequence: missense variant.
Genome position (GRCh38, 1-based): chr13:32,340,680, G>T. VCF-style: chr13-32340680-G-T. GRCh37 (hg19) VCF-style: chr13-32914817-G-T.
Other names: c.6325G>T, p.Val2109Phe (NM_001406719.1, NM_001406720.1); short protein forms V2109F.
Identifiers: ClinVar variation 1752867 (VCV001752867.4), dbSNP rs79456940, ClinGen allele CA387789070.
Genomic context (GRCh38, chr13:32,340,680, plus strand): 5'-GAGCATAGTCTTCACTATTCACCTACGTCTAGACAAAATGTATCAAAAATACTTCCTCGT[G>T]TTGATAAGAGAAACCCAGAGCACTGTGTAAACTCAGAAATGGAAAAAACCTGCAGTAAAG-3'
Protein context (NP_000050.3, residues 2099-2119): RQNVSKILPR[Val2109Phe]DKRNPEHCVN

ClinVar aggregate classification (germline): Conflicting classifications of pathogenicity. Review status: criteria provided, conflicting classifications (1 of 4 stars). 2 submissions from 2 submitters: Uncertain significance (1); Likely benign (1). Last evaluated 2023-03-23.

Conditions:
Hereditary cancer-predisposing syndrome. Also called: Neoplastic Syndromes, Hereditary; Tumor predisposition; Hereditary Cancer Syndrome; Hereditary neoplastic syndrome. Identifiers: Orphanet 140162, MedGen C0027672, MeSH D009386, MONDO:0015356.

Submissions (2):

University of Washington Department of Laboratory Medicine, University of Washington
Classification: Likely benign for Hereditary cancer-predisposing syndrome. Last evaluated: 2023-03-23. Review status: criteria provided, single submitter. Criteria: Dines et al. (Genet Med. 2020). Collection method: curation. Allele origin: germline.
Comment: Missense variant in a coldspot region where missense variants are very unlikely to be pathogenic (PMID:31911673).

BRCA2 exon 11 coldspot. Reclassification based on statistical prior probability.

Ambry Genetics
Classification: Uncertain significance for Hereditary cancer-predisposing syndrome. Last evaluated: 2022-10-27. Review status: criteria provided, single submitter. Criteria: Ambry Variant Classification Scheme 2023. Collection method: clinical testing. Allele origin: germline.
Comment: The p.V2109F variant (also known as c.6325G>T), located in coding exon 10 of the BRCA2 gene, results from a G to T substitution at nucleotide position 6325. The valine at codon 2109 is replaced by phenylalanine, an amino acid with highly similar properties. This amino acid position is not well conserved in available vertebrate species. In addition, this alteration is predicted to be tolerated by in silico analysis. Since supporting evidence is limited at this time, the clinical significance of this alteration remains unclear.